The following is an entry in ClinVar:

ClinVar aggregate classification (germline): Likely benign. Review status: criteria provided, multiple submitters, no conflicts (2 of 4 stars). 3 submissions from 3 submitters: Likely benign (3). Last evaluated 2024-06-11.

Conditions:
Lynch syndrome. Identifiers: Orphanet 144, MedGen C4552100, MONDO:0005835. Disease mechanism: loss of function.
Hereditary cancer-predisposing syndrome. Also called: Neoplastic Syndromes, Hereditary; Tumor predisposition; Hereditary Cancer Syndrome; Hereditary neoplastic syndrome. Identifiers: Orphanet 140162, MedGen C0027672, MeSH D009386, MONDO:0015356.

Submissions (3):

All of Us Research Program, National Institutes of Health
Classification: Likely benign for Lynch syndrome. Last evaluated: 2024-06-11. Review status: criteria provided, single submitter. Criteria: ACMG Guidelines, 2015. Collection method: clinical testing. Allele origin: germline. Inheritance: Autosomal dominant inheritance. Observed: 1 variant allele, 1 heterozygote.
Comment: This study involves interpretation of variants in research participants for the purpose of population health screening. Participant phenotype was not available at the time of variant classification. Additional details can be found in publication PMID: 35346344, PMCID: PMC8962531

Color Diagnostics, LLC DBA Color Health
Classification: Likely benign for Hereditary cancer-predisposing syndrome. Last evaluated: 2020-12-08. Review status: criteria provided, single submitter. Criteria: ACMG Guidelines, 2015. Collection method: clinical testing. Allele origin: germline.

Ambry Genetics
Classification: Likely benign for Hereditary cancer-predisposing syndrome. Last evaluated: 2019-09-14. Review status: criteria provided, single submitter. Criteria: Ambry Variant Classification Scheme 2023. Collection method: clinical testing. Allele origin: germline.

NM_000179.3(MSH6):c.1893C>A (p.Ser631=)

Gene: MSH6 (mutS homolog 6; plus strand). Cytogenetic location: 2p16.3.
Variant type: single nucleotide variant.
Coding change: c.1893C>A on transcript NM_000179.3 (MANE Select); coding-DNA position 1893, C replaced by A.
Protein change: p.Ser631=; no amino-acid change (serine 631 retained).
Molecular consequence: synonymous variant.
Genome position (GRCh38, 1-based): chr2:47,799,876, C>A. VCF-style: chr2-47799876-C-A. GRCh37 (hg19) VCF-style: chr2-48027015-C-A.
Other names: c.1503C>A, p.Ser501= (NM_001281492.2); c.987C>A, p.Ser329= (NM_001281493.2, NM_001281494.2).
Identifiers: ClinVar variation 820297 (VCV000820297.7), dbSNP rs1380346583, ClinGen allele CA426121289.
Genomic context (GRCh38, chr2:47,799,876, plus strand): 5'-TTCATTGTCCTGTTCTCTTCAGGAAGGTCTGATACCCGGCTCCCAGTTTTGGGATGCATC[C>A]AAAACTTTGAGAACTCTCCTTGAGGAAGAATATTTTAGGGAAAAGCTAAGTGATGGCATT-3'
Protein context (NP_000170.1, residues 621-641): LIPGSQFWDA[Ser631=]KTLRTLLEEE